The following is an entry in ClinVar:

ClinVar aggregate classification (germline): Uncertain significance (1 of 4 stars; one submission).

Submission:

GeneDx
Classification: Uncertain significance. Last evaluated: 2022-03-24. Review status: criteria provided, single submitter. Criteria: GeneDx Variant Classification Process June 2021. Collection method: clinical testing. Allele origin: germline. Affected: yes.
Comment: Not observed at significant frequency in large population cohorts (gnomAD); Normal stop codon changed to a Glu codon, leading to the addition of an unknown number of amino acids at the C-terminus; Has not been previously published as pathogenic or benign to our knowledge

NM_005321.3(H1-4):c.658T>G (p.Ter220Glu)

Gene: H1-4 (H1.4 linker histone, cluster member; plus strand). Cytogenetic location: 6p22.2.
Variant type: single nucleotide variant.
Coding change: c.658T>G on transcript NM_005321.3 (MANE Select); coding-DNA position 658, T replaced by G.
Protein change: p.Ter220Glu.
Molecular consequence: stop lost.
Genome position (GRCh38, 1-based): chr6:26,157,048, T>G. VCF-style: chr6-26157048-T-G. GRCh37 (hg19) VCF-style: chr6-26157276-T-G.
Identifiers: ClinVar variation 1707045 (VCV001707045.2), dbSNP rs1764209151, ClinGen allele CA363202590.
Genomic context (GRCh38, chr6:26,157,048, plus strand): 5'-AAACCAAAGACCGCCAAGCCCAAGGCAGCCAAGCCAAAGAAGGCGGCAGCCAAGAAAAAG[T>G]AGAAAGTTCCTTTGGCCAACTGCTTAGAAGCCCAACACAACCCAAAGGCTCTTTTCAGAG-3'